The following is an entry in ClinVar:

ClinVar aggregate classification (germline): no classifications from unflagged records (0 of 4 stars; one submission).

Conditions:
Aniridia 3 (AN3). Identifiers: MedGen C4310695, MONDO:0014938, OMIM 617142.

Allele frequency attached by ClinVar (database versions not stated): TOPMed below 0.00001.

Submission:

OMIM
Classification: Pathogenic for ANIRIDIA 3 (1 family). Last evaluated: 2024-09-27. Review status: flagged submission. Collection method: literature only. Allele origin: germline.
ClinVar note: Notes: Flagging candidate with reason of insufficient supporting evidence. This gene has been classified as having a limited gene-disease relationship by a ClinGen Expert Panel.
ClinVar note: Reason: Other

Literature cited by the submitters: PubMed 26394807.

NM_017583.6(TRIM44):c.463G>A (p.Gly155Arg)

Gene: TRIM44 (tripartite motif containing 44; plus strand). Cytogenetic location: 11p13.
Variant type: single nucleotide variant.
Coding change: c.463G>A on transcript NM_017583.6 (MANE Select); coding-DNA position 463, G replaced by A.
Protein change: p.Gly155Arg; replaces glycine 155 with arginine.
Molecular consequence: missense variant.
Genome position (GRCh38, 1-based): chr11:35,663,574, G>A. VCF-style: chr11-35663574-G-A. GRCh37 (hg19) VCF-style: chr11-35685122-G-A.
Other names: short protein forms G155R.
Identifiers: ClinVar variation 264710 (VCV000264710.2), dbSNP rs886039241, ClinGen allele CA10588017.